The following is an entry in ClinVar:

NM_000222.3(KIT):c.2915T>C (p.Val972Ala)

Gene: KIT (KIT proto-oncogene, receptor tyrosine kinase; plus strand). Cytogenetic location: 4q12.
Variant type: single nucleotide variant.
Coding change: c.2915T>C on transcript NM_000222.3 (MANE Select); coding-DNA position 2915, T replaced by C.
Protein change: p.Val972Ala; replaces valine 972 with alanine.
Molecular consequence: missense variant.
Genome position (GRCh38, 1-based): chr4:54,738,541, T>C. VCF-style: chr4-54738541-T-C. GRCh37 (hg19) VCF-style: chr4-55604707-T-C.
Other names: c.2903T>C, p.Val968Ala (NM_001093772.2, NM_001385292.1); c.2918T>C, p.Val973Ala (NM_001385284.1); c.2912T>C, p.Val971Ala (NM_001385285.1); c.2900T>C, p.Val967Ala (NM_001385286.1); c.2906T>C, p.Val969Ala (NM_001385288.1); c.2915T>C, p.Val972Ala (NM_001385290.1); c.2915T>C (NM_000222.2); short protein forms V971A, V967A, V968A, V973A, V969A, V972A.
Identifiers: ClinVar variation 1514316 (VCV001514316.7), dbSNP rs1268834189, ClinGen allele CA356916596.
Genomic context (GRCh38, chr4:54,738,541, plus strand): 5'-ACCATTCTGTGCGGATCAATTCTGTCGGCAGCACCGCTTCCTCCTCCCAGCCTCTGCTTG[T>C]GCACGACGATGTCTGAGCAGAATCAGTGTTTGGGTCACCCCTCCAGGAATGATCTCTTCT-3'
Protein context (NP_000213.1, residues 962-976): STASSSQPLL[Val972Ala]HDDV

ClinVar aggregate classification (germline): Uncertain significance. Review status: criteria provided, multiple submitters, no conflicts (2 of 4 stars). 2 submissions from 2 submitters: Uncertain significance (2). Last evaluated 2025-06-14.

Conditions:
Hereditary cancer-predisposing syndrome. Also called: Tumor predisposition; Neoplastic Syndromes, Hereditary; Hereditary Cancer Syndrome; Hereditary neoplastic syndrome. Identifiers: Orphanet 140162, MedGen C0027672, MeSH D009386, MONDO:0015356.
Gastrointestinal stromal tumor. Also called: Gastrointestinal stromal tumor, somatic; Gastrointestinal stroma tumor. Identifiers: Orphanet 44890, MedGen C0238198, MeSH D046152, MONDO:0011719, OMIM 606764, HP:0100723.

Submissions (2):

Ambry Genetics
Classification: Uncertain significance for Hereditary cancer-predisposing syndrome. Last evaluated: 2025-06-14. Review status: criteria provided, single submitter. Criteria: Ambry Variant Classification Scheme 2023. Collection method: clinical testing. Allele origin: germline.
Comment: The p.V972A variant (also known as c.2915T>C), located in coding exon 21 of the KIT gene, results from a T to C substitution at nucleotide position 2915. The valine at codon 972 is replaced by alanine, an amino acid with similar properties. This amino acid position is conserved. In addition, this alteration is predicted to be tolerated by in silico analysis. Based on the available evidence, the clinical significance of this variant remains unclear.

Labcorp Genetics (formerly Invitae), Labcorp
Classification: Uncertain significance for Gastrointestinal stromal tumor. Last evaluated: 2022-07-12. Review status: criteria provided, single submitter. Criteria: Invitae Variant Classification Sherloc (09022015). Collection method: clinical testing. Allele origin: germline.
Comment: This sequence change replaces valine, which is neutral and non-polar, with alanine, which is neutral and non-polar, at codon 972 of the KIT protein (p.Val972Ala). This variant is not present in population databases (gnomAD no frequency). In summary, the available evidence is currently insufficient to determine the role of this variant in disease. Therefore, it has been classified as a Variant of Uncertain Significance. Algorithms developed to predict the effect of missense changes on protein structure and function are either unavailable or do not agree on the potential impact of this missense change (SIFT: "Tolerated"; PolyPhen-2: "Possibly Damaging"; Align-GVGD: "Class C0"). ClinVar contains an entry for this variant (Variation ID: 1514316). This variant has not been reported in the literature in individuals affected with KIT-related conditions.